The following is an entry in ClinVar:

ClinVar aggregate classification (germline): Conflicting classifications of pathogenicity. Review status: criteria provided, conflicting classifications (1 of 4 stars). 2 submissions from 2 submitters: Uncertain significance (1); Likely benign (1). Last evaluated 2025-10-29.

Allele frequency attached by ClinVar (database versions not stated): gnomAD 0.00003; gnomAD exomes 0.00003; ExAC 0.00004; 1000 Genomes Project 30x 0.00016; 1000 Genomes Project 0.00020; TOPMed 0.00001.

Submissions (2):

Athena Diagnostics
Classification: Uncertain significance. Last evaluated: 2025-10-29. Review status: criteria provided, single submitter. Criteria: Athena Diagnostics Criteria. Collection method: clinical testing. Allele origin: unknown.
Comment: Available data are insufficient to determine the clinical significance of the variant at this time. The frequency of this variant in the general population is higher than would generally be expected for pathogenic variants in this gene. Polyphen and MutationTaster predict this amino acid change may be damaging to the protein.

Labcorp Genetics (formerly Invitae), Labcorp
Classification: Likely benign. Last evaluated: 2022-07-06. Review status: criteria provided, single submitter. Criteria: Invitae Variant Classification Sherloc (09022015). Collection method: clinical testing. Allele origin: germline.

NM_006946.4(SPTBN2):c.6766G>A (p.Gly2256Ser)

Gene: SPTBN2 (spectrin beta, non-erythrocytic 2; minus strand). Cytogenetic location: 11q13.2.
Variant type: single nucleotide variant.
Coding change: c.6766G>A on transcript NM_006946.4 (MANE Select); coding-DNA position 6766, G replaced by A.
Protein change: p.Gly2256Ser; replaces glycine 2256 with serine.
Molecular consequence: missense variant.
Genome position (GRCh38, 1-based): chr11:66,687,124, C>T on the plus strand (G>A on the coding strand, the complement: SPTBN2 is on the minus strand). VCF-style: chr11-66687124-C-T. GRCh37 (hg19) VCF-style: chr11-66454595-C-T.
Other names: c.6787G>A, p.Gly2263Ser (NM_001411025.1); c.6766G>A (NM_006946.2); short protein forms G2256S, G2263S.
Identifiers: ClinVar variation 2050895 (VCV002050895.5), dbSNP rs112384228, ClinGen allele CA6127791.